The following is an entry in ClinVar:

ClinVar aggregate classification (germline): Uncertain significance (1 of 4 stars; one submission).

Submission:

GeneDx
Classification: Uncertain significance. Last evaluated: 2024-07-06. Review status: criteria provided, single submitter. Criteria: GeneDx Variant Classification Process June 2021. Collection method: clinical testing. Allele origin: germline. Affected: yes.
Comment: Not observed at significant frequency in large population cohorts (gnomAD); In silico analysis supports that this missense variant has a deleterious effect on protein structure/function; Has not been previously published as pathogenic or benign to our knowledge

NM_014975.3(MAST1):c.1444G>A (p.Val482Met)

Gene: MAST1 (microtubule associated serine/threonine kinase 1; plus strand). Cytogenetic location: 19p13.13.
Variant type: single nucleotide variant.
Coding change: c.1444G>A on transcript NM_014975.3 (MANE Select); coding-DNA position 1444, G replaced by A.
Protein change: p.Val482Met; replaces valine 482 with methionine.
Molecular consequence: missense variant.
Genome position (GRCh38, 1-based): chr19:12,864,886, G>A. VCF-style: chr19-12864886-G-A. GRCh37 (hg19) VCF-style: chr19-12975700-G-A.
Other names: short protein forms V482M.
Identifiers: ClinVar variation 3393901 (VCV003393901.1).